The following is an entry in ClinVar:

NM_004655.4(AXIN2):c.1376dup (p.Tyr460fs)

Gene: AXIN2 (axin 2; minus strand). Cytogenetic location: 17q24.1.
Variant type: Duplication.
Coding change: c.1376dup on transcript NM_004655.4 (MANE Select); coding-DNA position 1376, one base duplicated (G; older notation c.1376dupG).
Protein change: p.Tyr460fs; shifts the reading frame from tyrosine 460.
Molecular consequence: frameshift variant.
Genome position (GRCh38, 1-based): chr17:65,537,660, C duplicated on the plus strand (G on the coding strand, the reverse complement: AXIN2 is on the minus strand). VCF-style (leftmost placement, unchanged base first): chr17-65537659-G-GC. GRCh37 (hg19) VCF-style: chr17-63533777-G-GC.
Other names: c.1376dup, p.Tyr460fs (NM_001363813.1); c.1376dupG (NM_004655.3); short protein forms Y460fs.
Identifiers: ClinVar variation 3814041 (VCV003814041.1).

ClinVar aggregate classification (germline): Pathogenic (1 of 4 stars; one submission).

Conditions:
Hereditary cancer-predisposing syndrome. Also called: Hereditary neoplastic syndrome; Neoplastic Syndromes, Hereditary; Tumor predisposition; Hereditary Cancer Syndrome. Identifiers: Orphanet 140162, MedGen C0027672, MeSH D009386, MONDO:0015356.

Submission:

Ambry Genetics
Classification: Pathogenic for Hereditary cancer-predisposing syndrome. Last evaluated: 2024-12-19. Review status: criteria provided, single submitter. Criteria: Ambry Variant Classification Scheme 2023. Collection method: clinical testing. Allele origin: germline.
Comment: The c.1376dupG pathogenic mutation, located in coding exon 5 of the AXIN2 gene, results from a duplication of G at nucleotide position 1376, causing a translational frameshift with a predicted alternate stop codon (p.Y460Lfs*2). This variant is considered to be rare based on population cohorts in the Genome Aggregation Database (gnomAD). This alteration is expected to result in loss of function by premature protein truncation or nonsense-mediated mRNA decay. As such, this alteration is interpreted as a disease-causing mutation.